The following is an entry in ClinVar:

NM_001142864.4(PIEZO1):c.6219C>T (p.Tyr2073=)

Gene: PIEZO1 (piezo type mechanosensitive ion channel component 1 (Er blood group); minus strand). Cytogenetic location: 16q24.3.
Variant type: single nucleotide variant.
Coding change: c.6219C>T on transcript NM_001142864.4 (MANE Select); coding-DNA position 6219, C replaced by T.
Protein change: p.Tyr2073=; no amino-acid change (tyrosine 2073 retained).
Molecular consequence: synonymous variant.
Genome position (GRCh38, 1-based): chr16:88,719,906, G>A on the plus strand (C>T on the coding strand, the complement: PIEZO1 is on the minus strand). VCF-style: chr16-88719906-G-A. GRCh37 (hg19) VCF-style: chr16-88786314-G-A.
Other names: p.Tyr2073=.
Identifiers: ClinVar variation 770794 (VCV000770794.48), dbSNP rs61745850, ClinGen allele CA8231681.

ClinVar aggregate classification (germline): Benign/Likely benign. Review status: criteria provided, multiple submitters, no conflicts (2 of 4 stars). 6 submissions from 6 submitters: Benign (3); Likely benign (3). Last evaluated 2026-01-27.

Allele frequency attached by ClinVar (database versions not stated): 1000 Genomes Project 0.00319; 1000 Genomes Project 30x 0.00328; ExAC 0.00458; gnomAD exomes 0.00649 and 0.01274; gnomAD 0.00751 and 0.00779; TOPMed 0.00754; ESP Exome Variant Server 0.01161.
gnomAD v4.1: 18,756 of 1,550,444 alleles (1.2%); highest among the groups gnomAD compares: Non-Finnish European, 1.5%; 150 homozygotes.

Submissions (6):

Labcorp Genetics (formerly Invitae), Labcorp
Classification: Benign. Last evaluated: 2026-01-27. Review status: criteria provided, single submitter. Criteria: Invitae Variant Classification Sherloc (09022015). Collection method: clinical testing. Allele origin: germline.

Mayo Clinic Laboratories, Mayo Clinic
Classification: Likely benign. Last evaluated: 2025-07-16. Review status: criteria provided, single submitter. Criteria: ACMG Guidelines, 2015. Collection method: clinical testing. Allele origin: germline. Observed: 29 variant alleles.
Comment: BS2

ARUP Laboratories, Molecular Genetics and Genomics, ARUP Laboratories
Classification: Benign. Last evaluated: 2025-04-17. Review status: criteria provided, single submitter. Criteria: ARUP Molecular Germline Variant Investigation Process 2024. Collection method: clinical testing. Allele origin: germline.

CeGaT Center for Human Genetics Tuebingen
Classification: Benign. Last evaluated: 2024-07-01. Review status: criteria provided, single submitter. Criteria: CeGaT Center For Human Genetics Tuebingen Variant Classification Criteria Version 2. Collection method: clinical testing. Allele origin: germline. Affected: yes. Observed: 9 variant alleles.
Comment: PIEZO1: BS1, BS2

GeneDx
Classification: Likely benign. Last evaluated: 2018-07-09. Review status: criteria provided, single submitter. Criteria: GeneDx Variant Classification Process June 2021. Collection method: clinical testing. Allele origin: germline. Affected: yes.

Breakthrough Genomics
Classification: Likely benign. Review status: criteria provided, single submitter. Criteria: ACMG Guidelines, 2015. Collection method: not provided. Allele origin: germline. Inheritance: Autosomal recessive inheritance. Affected: yes.